The following is an entry in ClinVar:

ClinVar aggregate classification (germline): Likely benign (1 of 4 stars; one submission).

Conditions:
HTR2C-related disorder. Also called: HTR2C-related condition.

gnomAD v4.1: 14 of 1,210,137 alleles (0.0012%); highest among the groups gnomAD compares: Admixed American, 0.031%; no homozygotes.

Submission:

PreventionGenetics, part of Exact Sciences
Classification: Likely benign for HTR2C-related condition. Last evaluated: 2025-07-21. Review status: criteria provided, single submitter. Criteria: ACMG Guidelines, 2015. Collection method: clinical testing. Allele origin: germline.
Comment: This variant is classified as likely benign based on ACMG/AMP sequence variant interpretation guidelines (Richards et al. 2015 PMID: 25741868, with internal and published modifications).

NM_000868.4(HTR2C):c.497A>G (p.Asn166Ser)

Gene: HTR2C (5-hydroxytryptamine receptor 2C; plus strand). Cytogenetic location: Xq23.
Variant type: single nucleotide variant.
Coding change: c.497A>G on transcript NM_000868.4 (MANE Select); coding-DNA position 497, A replaced by G.
Protein change: p.Asn166Ser; replaces asparagine 166 with serine.
Molecular consequence: missense variant. On other transcripts: intron variant (1).
Genome position (GRCh38, 1-based): chrX:114,848,150, A>G. VCF-style: chrX-114848150-A-G. GRCh37 (hg19) VCF-style: chrX-114082713-A-G.
Other names: c.497A>G, p.Asn166Ser (NM_001256760.3); c.455+42A>G (NM_001256761.3); short protein forms N166S.
Identifiers: ClinVar variation 3354028 (VCV003354028.2).